The following is an entry in ClinVar:

ClinVar aggregate classification (germline): Benign (1 of 4 stars; one submission).

Allele frequency attached by ClinVar (database versions not stated): 1000 Genomes Project 30x 0.00375; 1000 Genomes Project 0.00419; TOPMed 0.00711; gnomAD 0.00746; ESP Exome Variant Server 0.00955; gnomAD exomes 0.01135; ExAC 0.01290.
gnomAD v4.1: 17,154 of 1,573,640 alleles (1.1%); highest among the groups gnomAD compares: Non-Finnish European, 1.3%; 130 homozygotes.

Submission:

CeGaT Center for Human Genetics Tuebingen
Classification: Benign. Last evaluated: 2023-01-01. Review status: criteria provided, single submitter. Criteria: CeGaT Center For Human Genetics Tuebingen Variant Classification Criteria Version 2. Collection method: clinical testing. Allele origin: germline. Affected: yes. Observed: 1 variant allele.
Comment: SIRPG: BP4, BP7, BS1, BS2

NM_018556.4(SIRPG):c.1116A>T (p.Ile372=)

Gene: SIRPG (signal regulatory protein gamma; minus strand). Cytogenetic location: 20p13.
Variant type: single nucleotide variant.
Coding change: c.1116A>T on transcript NM_018556.4 (MANE Select); coding-DNA position 1116, A replaced by T.
Protein change: p.Ile372=; no amino-acid change (isoleucine 372 retained).
Molecular consequence: synonymous variant.
Genome position (GRCh38, 1-based): chr20:1,630,272, T>A on the plus strand (A>T on the coding strand, the complement: SIRPG is on the minus strand). VCF-style: chr20-1630272-T-A. GRCh37 (hg19) VCF-style: chr20-1610918-T-A.
Other names: c.783A>T, p.Ile261= (NM_001039508.2); c.465A>T, p.Ile155= (NM_080816.3).
Identifiers: ClinVar variation 2652136 (VCV002652136.24), dbSNP rs34442420, ClinGen allele CA9729309.